The following is an entry in ClinVar:

ClinVar aggregate classification (germline): Uncertain significance. Review status: criteria provided, multiple submitters, no conflicts (2 of 4 stars). 7 submissions from 7 submitters: Uncertain significance (6). 1 of the submissions does not count toward it. Last evaluated 2026-01-13.

Conditions:
Hereditary cancer-predisposing syndrome. Also called: Hereditary neoplastic syndrome; Tumor predisposition; Hereditary Cancer Syndrome; Neoplastic Syndromes, Hereditary. Identifiers: Orphanet 140162, MedGen C0027672, MeSH D009386, MONDO:0015356.
Familial cancer of breast. Also called: hereditary breast carcinoma; Hereditary breast cancer; BREAST CANCER, FAMILIAL. Identifiers: Orphanet 227535, MedGen C0346153, MONDO:0016419, OMIM 114480. Disease mechanism: loss of function.

Allele frequency attached by ClinVar (database versions not stated): gnomAD exomes 0.00001; ExAC 0.00002.
gnomAD v4.1: 16 of 1,612,492 alleles (0.00099%); highest among the groups gnomAD compares: Non-Finnish European, 0.0013%; no homozygotes.

Submissions (7):

Labcorp Genetics (formerly Invitae), Labcorp
Classification: Uncertain significance for Familial cancer of breast. Last evaluated: 2026-01-13. Review status: criteria provided, single submitter. Criteria: Invitae Variant Classification Sherloc (09022015). Collection method: clinical testing. Allele origin: germline.
Comment: This sequence change replaces isoleucine, which is neutral and non-polar, with leucine, which is neutral and non-polar, at codon 92 of the BARD1 protein (p.Ile92Leu). This variant is present in population databases (rs750878896, gnomAD 0.003%). This variant has not been reported in the literature in individuals affected with BARD1-related conditions. ClinVar contains an entry for this variant (Variation ID: 220741). An algorithm developed to predict the effect of missense changes on protein structure and function (PolyPhen-2) suggests that this variant is likely to be tolerated. In summary, the available evidence is currently insufficient to determine the role of this variant in disease. Therefore, it has been classified as a Variant of Uncertain Significance.

Center for Genomic Medicine, Rigshospitalet, Copenhagen University Hospital
Classification: Uncertain significance. Last evaluated: 2025-12-29. Review status: criteria provided, single submitter. Criteria: ACMG Guidelines, 2015. Collection method: clinical testing. Allele origin: germline.

Ambry Genetics
Classification: Uncertain significance for Hereditary cancer-predisposing syndrome. Last evaluated: 2025-02-08. Review status: criteria provided, single submitter. Criteria: Ambry Variant Classification Scheme 2023. Collection method: clinical testing. Allele origin: germline.
Comment: The p.I92L variant (also known as c.274A>T), located in coding exon 3 of the BARD1 gene, results from an A to T substitution at nucleotide position 274. The isoleucine at codon 92 is replaced by leucine, an amino acid with highly similar properties. This amino acid position is not well conserved in available vertebrate species. In addition, this alteration is predicted to be tolerated by in silico analysis. Since supporting evidence is limited at this time, the clinical significance of this alteration remains unclear.

Baylor Genetics
Classification: Uncertain significance for Familial cancer of breast. Last evaluated: 2023-05-10. Review status: criteria provided, single submitter. Criteria: ACMG Guidelines, 2015. Collection method: clinical testing. Allele origin: unknown.

Color Diagnostics, LLC DBA Color Health
Classification: Uncertain significance for Hereditary cancer-predisposing syndrome. Last evaluated: 2021-08-09. Review status: criteria provided, single submitter. Criteria: ACMG Guidelines, 2015. Collection method: clinical testing. Allele origin: germline.
Comment: This missense variant replaces isoleucine with leucine at codon 92 of the BARD1 protein. Computational prediction suggests that this variant may not impact protein structure and function (internally defined REVEL score threshold <= 0.5, PMID: 27666373). To our knowledge, functional studies have not been reported for this variant. This variant has not been reported in individuals affected with hereditary cancer in the literature. This variant has been identified in 3/251162 chromosomes in the general population by the Genome Aggregation Database (gnomAD). The available evidence is insufficient to determine the role of this variant in disease conclusively. Therefore, this variant is classified as a Variant of Uncertain Significance.

GeneDx
Classification: Uncertain significance. Last evaluated: 2016-05-09. Review status: criteria provided, single submitter. Criteria: GeneDx Variant Classification (06012015). Collection method: clinical testing. Allele origin: germline. Affected: yes.
Comment: This variant is denoted BARD1 c.274A>T at the cDNA level, p.Ile92Leu (I92L) at the protein level, and results in the change of an Isoleucine to a Leucine (ATA>TTA). This variant has not, to our knowledge, been published in the literature as pathogenic or benign. BARD1 Ile92Leu was not observed in approximately 6,500 individuals of European and African American ancestry in the NHLBI Exome Sequencing Project, suggesting it is not a common benign variant in these populations. Since Isoleucine and Leucine share similar properties, this is considered a conservative amino acid substitution. BARD1 Ile92Leu occurs at a position where amino acids with properties similar to Isoleucine are tolerated across species and is located within the region of interaction with BRCA1 (UniProt). In silico analyses are inconsistent regarding the effect this variant may have on protein structure and function. Based on currently available evidence, it is unclear whether BARD1 Ile92Leu is a pathogenic or benign variant. We consider it to be a variant of uncertain significance.

Department of Pathology and Laboratory Medicine, Sinai Health System
Classification: Uncertain significance for Familial cancer of breast. Review status: no assertion criteria provided. Collection method: clinical testing. Allele origin: unknown. Affected: yes. Study: The Canadian Open Genetics Repository (COGR). Not counted in ClinVar's aggregate classification.
Comment: The BARD1 p.Ile92Leu variant was not identified in the literature. The variant was identified in dbSNP (rs750878896) as â€šÃ„Ãºwith uncertain significance alleleâ€šÃ„Ã¹ and ClinVar (classified as uncertain significance by Invitae, GeneDx and Ambry Genetics). The variant was identified in control databases in 3 of 251,162 chromosomes at a frequency of 0.00001 (Genome Aggregation Database Feb 27, 2017). The variant was observed in the following populations: South Asian in 1 of 30,608 chromosomes (freq: 0.00003), European in 2 of 113,648 chromosomes (freq: 0.00002), while the variant was not observed in the African, Latino, Ashkenazi Jewish, East Asian, Finnish and Other populations. The p.Ile92 residue is conserved in mammals but not in more distantly related organisms however four out of five computational analyses (PolyPhen-2, SIFT, AlignGVGD, BLOSUM, MutationTaster) do not suggest a high likelihood of impact to the protein; this information is not predictive enough to rule out pathogenicity. The variant occurs outside of the splicing consensus sequence and in silico or computational prediction software programs (SpliceSiteFinder, MaxEntScan, NNSPLICE, GeneSplicer) do not predict a difference in splicing. In summary, based on the above information the clinical significance of this variant cannot be determined with certainty at this time. This variant is classified as a variant of uncertain significance.

NM_000465.4(BARD1):c.274A>T (p.Ile92Leu)

Gene: BARD1 (BRCA1 associated RING domain 1; minus strand). Cytogenetic location: 2q35.
Variant type: single nucleotide variant.
Coding change: c.274A>T on transcript NM_000465.4 (MANE Select); coding-DNA position 274, A replaced by T.
Protein change: p.Ile92Leu; replaces isoleucine 92 with leucine.
Molecular consequence: missense variant. On other transcripts: non-coding transcript variant (1), intron variant (2).
Genome position (GRCh38, 1-based): chr2:214,792,387, T>A on the plus strand (A>T on the coding strand, the complement: BARD1 is on the minus strand). VCF-style: chr2-214792387-T-A. GRCh37 (hg19) VCF-style: chr2-215657111-T-A.
Other names: c.217A>T, p.Ile73Leu (NM_001282543.2); c.274A>T, p.Ile92Leu (NM_001282549.2); c.158+17025A>T (NM_001282548.2); c.215+4674A>T (NM_001282545.2); short protein forms I92L, I73L.
Identifiers: ClinVar variation 220741 (VCV000220741.27), dbSNP rs750878896, ClinGen allele CA349562.